The following is an entry in ClinVar:

ClinVar aggregate classification (germline): Likely pathogenic (1 of 4 stars; one submission).

Conditions:
Ataxia-telangiectasia syndrome (AT). Also called: ATAXIA-TELANGIECTASIA, COMPLEMENTATION GROUP A; ATAXIA-TELANGIECTASIA, FRESNO VARIANT; Ataxia-telangiectasia; LOUIS-BAR SYNDROME; Cerebello-oculocutaneous telangiectasia; Immunodeficiency with ataxia telangiectasia. Identifiers: Orphanet 100, MedGen C0004135, MONDO:0008840, OMIM 208900.

Submission:

Labcorp Genetics (formerly Invitae), Labcorp
Classification: Likely pathogenic for Ataxia-telangiectasia syndrome. Last evaluated: 2025-05-21. Review status: criteria provided, single submitter. Criteria: Invitae Variant Classification Sherloc (09022015). Collection method: clinical testing. Allele origin: germline.
Comment: This sequence change affects a donor splice site in intron 30 of the ATM gene. It is expected to disrupt RNA splicing. Variants that disrupt the donor or acceptor splice site typically lead to a loss of protein function (PMID: 16199547), and loss-of-function variants in ATM are known to be pathogenic (PMID: 23807571, 25614872). This variant is not present in population databases (gnomAD no frequency). This variant has not been reported in the literature in individuals affected with ATM-related conditions. Algorithms developed to predict the effect of sequence changes on RNA splicing suggest that this variant may disrupt the consensus splice site. In summary, the currently available evidence indicates that the variant is pathogenic, but additional data are needed to prove that conclusively. Therefore, this variant has been classified as Likely Pathogenic.

Literature cited by the submitters: PubMed 16199547; PubMed 23807571; PubMed 25614872.

NM_000051.4(ATM):c.4611+2T>A

Gene: ATM (ATM serine/threonine kinase; plus strand). Cytogenetic location: 11q22.3.
Variant type: single nucleotide variant.
Coding change: c.4611+2T>A on transcript NM_000051.4 (MANE Select); the canonical splice donor site of the intron after coding-DNA position 4611, T replaced by A.
Molecular consequence: splice donor variant.
Genome position (GRCh38, 1-based): chr11:108,292,795, T>A. VCF-style: chr11-108292795-T-A. GRCh37 (hg19) VCF-style: chr11-108163522-T-A.
Other names: c.4611+2T>A (NM_001351834.2).
Identifiers: ClinVar variation 4719712 (VCV004719712.1).